The following is an entry in ClinVar:

NM_000217.3(KCNA1):c.598G>C (p.Gly200Arg)

Gene: KCNA1 (potassium voltage-gated channel subfamily A member 1; plus strand). Cytogenetic location: 12p13.32.
Variant type: single nucleotide variant.
Coding change: c.598G>C on transcript NM_000217.3 (MANE Select); coding-DNA position 598, G replaced by C.
Protein change: p.Gly200Arg; replaces glycine 200 with arginine.
Molecular consequence: missense variant.
Genome position (GRCh38, 1-based): chr12:4,911,976, G>C. VCF-style: chr12-4911976-G-C. GRCh37 (hg19) VCF-style: chr12-5021142-G-C.
Other names: short protein forms G200R.
Identifiers: ClinVar variation 2746308 (VCV002746308.3), dbSNP rs2497352707, ClinGen allele CA383454917.

ClinVar aggregate classification (germline): Uncertain significance (1 of 4 stars; one submission).

Conditions:
Episodic ataxia type 1 (EA1). Also called: Episodic ataxia/myokymia syndrome; ATAXIA, EPISODIC, WITH MYOKYMIA; MYOKYMIA WITH PERIODIC ATAXIA; PAROXYSMAL ATAXIA WITH NEUROMYOTONIA, HEREDITARY. Identifiers: Orphanet 37612, Orphanet 972, MedGen C1719788, MONDO:0008047, OMIM 160120.

Submission:

Labcorp Genetics (formerly Invitae), Labcorp
Classification: Uncertain significance for Episodic ataxia type 1. Last evaluated: 2023-10-13. Review status: criteria provided, single submitter. Criteria: Invitae Variant Classification Sherloc (09022015). Collection method: clinical testing. Allele origin: germline.
Comment: This sequence change replaces glycine, which is neutral and non-polar, with arginine, which is basic and polar, at codon 200 of the KCNA1 protein (p.Gly200Arg). This variant is not present in population databases (gnomAD no frequency). This variant has not been reported in the literature in individuals affected with KCNA1-related conditions. Advanced modeling of protein sequence and biophysical properties (such as structural, functional, and spatial information, amino acid conservation, physicochemical variation, residue mobility, and thermodynamic stability) performed at Invitae indicates that this missense variant is not expected to disrupt KCNA1 protein function. In summary, the available evidence is currently insufficient to determine the role of this variant in disease. Therefore, it has been classified as a Variant of Uncertain Significance.